The following is an entry in ClinVar:

NM_000053.4(ATP7B):c.1636A>G (p.Ile546Val)

Gene: ATP7B (ATPase copper transporting beta; minus strand). Cytogenetic location: 13q14.3.
Variant type: single nucleotide variant.
Coding change: c.1636A>G on transcript NM_000053.4 (MANE Select); coding-DNA position 1636, A replaced by G.
Protein change: p.Ile546Val; replaces isoleucine 546 with valine.
Molecular consequence: missense variant. On other transcripts: intron variant (1).
Genome position (GRCh38, 1-based): chr13:51,968,515, T>C on the plus strand (A>G on the coding strand, the complement: ATP7B is on the minus strand). VCF-style: chr13-51968515-T-C. GRCh37 (hg19) VCF-style: chr13-52542651-T-C.
Other names: c.1636A>G, p.Ile546Val (NM_001406542.1, NM_001406545.1, NM_001406546.1 and 26 more transcripts); c.1540A>G, p.Ile514Val (NM_001406543.1, NM_001406544.1, NM_001406530.1 and 3 more transcripts); c.1285+5420A>G (NM_001406548.1); c.1303A>G, p.Ile435Val (NM_001243182.2); c.1603A>G, p.Ile535Val (NM_001406524.1, NM_001406514.1); c.1207A>G, p.Ile403Val (NM_001406539.1); short protein forms I403V, I435V, I514V, I535V, I546V.
Identifiers: ClinVar variation 3385591 (VCV003385591.1).

ClinVar aggregate classification (germline): Uncertain significance (1 of 4 stars; one submission).

Conditions:
Wilson disease (WND). Also called: Wilson's disease. Identifiers: Orphanet 905, MedGen C0019202, MONDO:0010200, OMIM 277900. Disease mechanism: loss of function.

gnomAD v4.1: 2 of 1,614,124 alleles (0.00012%); highest among the groups gnomAD compares: Non-Finnish European, 0.00017%; no homozygotes.

Submission:

All of Us Research Program, National Institutes of Health
Classification: Uncertain significance for Wilson disease. Last evaluated: 2024-06-09. Review status: criteria provided, single submitter. Criteria: ACMG Guidelines, 2015. Collection method: clinical testing. Allele origin: germline. Inheritance: Autosomal recessive inheritance. Observed: 1 variant allele, 1 heterozygote.
Comment: This missense variant replaces isoleucine with valine at codon 546 of the ATP7B protein. Computational prediction suggests that this variant may not impact protein structure and function. To our knowledge, functional studies have not been reported for this variant. This variant has not been reported in individuals affected with ATP7B-related disorders in the literature. This variant has not been identified in the general population by the Genome Aggregation Database (gnomAD). The available evidence is insufficient to determine the role of this variant in disease conclusively. Therefore, this variant is classified as a Variant of Uncertain Significance.

This study involves interpretation of variants in research participants for the purpose of population health screening. Participant phenotype was not available at the time of variant classification. Additional details can be found in publication PMID: 35346344, PMCID: PMC8962531